The following is an entry in ClinVar:

NM_001377.3(DYNC2H1):c.2574+1G>C

Gene: DYNC2H1 (dynein cytoplasmic 2 heavy chain 1; plus strand). Cytogenetic location: 11q22.3.
Variant type: single nucleotide variant.
Coding change: c.2574+1G>C on transcript NM_001377.3 (MANE Select); the canonical splice donor site of the intron after coding-DNA position 2574, G replaced by C.
Molecular consequence: splice donor variant.
Genome position (GRCh38, 1-based): chr11:103,135,949, G>C. VCF-style: chr11-103135949-G-C. GRCh37 (hg19) VCF-style: chr11-103006678-G-C.
Other names: c.2574+1G>C (NM_001080463.2).
Identifiers: ClinVar variation 5004237 (VCV005004237.1).

ClinVar aggregate classification (germline): Likely pathogenic (1 of 4 stars; one submission).

Conditions:
Asphyxiating thoracic dystrophy 3. Also called: POLYDACTYLY WITH NEONATAL CHONDRODYSTROPHY, TYPE I; SHORT-RIB THORACIC DYSPLASIA 3 WITH OR WITHOUT POLYDACTYLY; SHORT-RIB THORACIC DYSPLASIA 3/6 WITH POLYDACTYLY, DIGENIC; Saldino-Noonan Syndrome; Short rib polydactyly syndrome 2B. Identifiers: Orphanet 474, Orphanet 93269, Orphanet 93270, Orphanet 93271, MedGen C0036069, MONDO:0013127, OMIM 613091.

Submission:

Myriad Genetics, Inc.
Classification: Likely pathogenic for Asphyxiating thoracic dystrophy 3. Last evaluated: 2025-10-27. Review status: criteria provided, single submitter. Criteria: Myriad Autosomal Dominant, Autosomal Recessive and X-Linked Classification Criteria (2023). Collection method: clinical testing. Allele origin: unknown.
Comment: NM_001377.2(DYNC2H1):c.2574+1G>C is a variant in a canonical splice site classified as likely pathogenic in the context of DYNC2H1-related disorders. c.2574+1G>C has not been observed in cases with relevant disease. Relevant functional assessments of this variant are not available in the literature. c.2574+1G>C has not been observed in referenced population frequency databases. In summary, NM_001377.2(DYNC2H1):c.2574+1G>C is a variant in a canonical splice site in a gene where loss of function is a known mechanism of disease and is predicted to disrupt protein function. Please note: this variant was assessed in the context of healthy population screening.